The following is an entry in ClinVar:

ClinVar aggregate classification (germline): Uncertain significance (1 of 4 stars; one submission).

Conditions:
LEPR-related disorder. Also called: LEPR-related condition; LEPR-related disorders.

gnomAD v4.1: 2 of 1,614,020 alleles (0.00012%); highest among the groups gnomAD compares: Non-Finnish European, 0.00017%; no homozygotes.

Submission:

PreventionGenetics, part of Exact Sciences
Classification: Uncertain significance for LEPR-related condition. Last evaluated: 2026-08-07. Review status: criteria provided, single submitter. Criteria: ACMG Guidelines, 2015. Collection method: clinical testing. Allele origin: germline.
Comment: The LEPR c.172T>C variant is predicted to result in the amino acid substitution p.Ser58Pro. To our knowledge, this variant has not been reported in the literature. This variant is reported in 0.0062% of alleles in individuals of African descent in gnomAD. At this time, the clinical significance of this variant is uncertain due to the absence of conclusive functional and genetic evidence.

NM_002303.6(LEPR):c.172T>C (p.Ser58Pro)

Gene: LEPR (leptin receptor; plus strand). Cytogenetic location: 1p31.3.
Variant type: single nucleotide variant.
Coding change: c.172T>C on transcript NM_002303.6 (MANE Select); coding-DNA position 172, T replaced by C.
Protein change: p.Ser58Pro; replaces serine 58 with proline.
Molecular consequence: missense variant.
Genome position (GRCh38, 1-based): chr1:65,570,604, T>C. VCF-style: chr1-65570604-T-C. GRCh37 (hg19) VCF-style: chr1-66036287-T-C.
Other names: c.172T>C, p.Ser58Pro (NM_001003679.3, NM_001003680.3, NM_001198687.2 and 2 more transcripts); short protein forms S58P.
Identifiers: ClinVar variation 4996098 (VCV004996098.1).
Genomic context (GRCh38, chr1:65,570,604, plus strand): 5'-ATGCCACCAAATTCAACCTATGACTACTTCCTTTTGCCTGCTGGACTCTCAAAGAATACT[T>C]CAAATTCGAATGGACATTATGAGACAGCTGTTGAACCTAAGTTTAATTCAAGTGGTACTC-3'
Protein context (NP_002294.2, residues 48-68): LLPAGLSKNT[Ser58Pro]NSNGHYETAV